The following is an entry in ClinVar:

ClinVar aggregate classification (germline): Uncertain significance (1 of 4 stars; one submission).

Conditions:
BRCA1-related cancer predisposition. Identifiers: MedGen CN377757, MONDO:0700268.

Submission:

All of Us Research Program, National Institutes of Health
Classification: Uncertain significance for BRCA1-related cancer predisposition. Last evaluated: 2024-05-14. Review status: criteria provided, single submitter. Criteria: ACMG Guidelines, 2015. Collection method: clinical testing. Allele origin: germline. Inheritance: Autosomal dominant inheritance. Observed: 1 variant allele, 1 heterozygote.
Comment: This missense variant replaces aspartic acid with asparagine at codon 1155 of the BRCA1 protein. Computational prediction suggests that this variant may not impact protein structure and function (internally defined REVEL score threshold <= 0.5, PMID: 27666373). To our knowledge, functional studies have not been reported for this variant. This variant has not been reported in individuals affected with hereditary cancer in the literature. This variant has not been identified in the general population by the Genome Aggregation Database (gnomAD). The available evidence is insufficient to determine the role of this variant in disease conclusively. Therefore, this variant is classified as a Variant of Uncertain Significance.

This study involves interpretation of variants in research participants for the purpose of population health screening. Participant phenotype was not available at the time of variant classification. Additional details can be found in publication PMID: 35346344, PMCID: PMC8962531

NM_007294.4(BRCA1):c.3463G>A (p.Asp1155Asn)

Genes: BRCA1 (BRCA1 DNA repair associated; minus strand), LOC126862571 (BRD4-independent group 4 enhancer GRCh37_chr17:41243136-41244335; plus strand). Cytogenetic location: 17q21.31.
Variant type: single nucleotide variant.
Coding change: c.3463G>A on transcript NM_007294.4 (MANE Select); coding-DNA position 3463, G replaced by A.
Protein change: p.Asp1155Asn; replaces aspartic acid 1155 with asparagine.
Molecular consequence: missense variant. On other transcripts: intron variant (135).
Genome position (GRCh38, 1-based): chr17:43,092,068, C>T on the plus strand (G>A on the coding strand, the complement: BRCA1 is on the minus strand). VCF-style: chr17-43092068-C-T. GRCh37 (hg19) VCF-style: chr17-41244085-C-T.
Other names: c.785-1036G>A (NM_001407991.1, NM_001408407.1, NM_001408402.1 and 13 more transcripts); c.665-1036G>A (NM_001408427.1, NM_001408443.1, NM_001408439.1 and 12 more transcripts); c.524-1036G>A (NM_001408496.1, NM_001408499.1, NM_001408498.1 and 3 more transcripts); c.647-1036G>A (NM_001408460.1, NM_001408454.1, NM_001408456.1 and 11 more transcripts); c.707-1036G>A (NM_001408413.1, NM_001408416.1); c.587-1036G>A (NM_001408476.1, NM_001408474.1); c.710-1036G>A (NM_001408409.1, NM_001408414.1, NM_001408411.1 and 2 more transcripts); c.575-1036G>A (NM_001408493.1, NM_001408490.1, NM_001408491.1); and 41 more; short protein forms D1027N, D1028N, D1043N, D1044N, D1066N, D1067N, D1084N, D1085N.
Identifiers: ClinVar variation 3386213 (VCV003386213.1).